The following is an entry in ClinVar:

ClinVar aggregate classification (germline): Uncertain significance. Review status: criteria provided, multiple submitters, no conflicts (2 of 4 stars). 2 submissions from 2 submitters: Uncertain significance (2). Last evaluated 2025-08-25.

Conditions:
Hereditary cancer-predisposing syndrome. Also called: Tumor predisposition; Hereditary Cancer Syndrome; Neoplastic Syndromes, Hereditary; Hereditary neoplastic syndrome. Identifiers: Orphanet 140162, MedGen C0027672, MeSH D009386, MONDO:0015356.
Gorlin syndrome. Also called: Nevoid Basal Cell Carcinoma Syndrome; Basal cell nevus syndrome. Identifiers: Orphanet 377, MedGen C0004779, MONDO:0007187.

gnomAD v4.1: 2 of 1,575,044 alleles (0.00013%); highest among the groups gnomAD compares: Non-Finnish European, 0.000086%; no homozygotes.

Submissions (2):

Labcorp Genetics (formerly Invitae), Labcorp
Classification: Uncertain significance for Gorlin syndrome. Last evaluated: 2025-08-25. Review status: criteria provided, single submitter. Criteria: Invitae Variant Classification Sherloc (09022015). Collection method: clinical testing. Allele origin: germline.
Comment: This sequence change replaces alanine, which is neutral and non-polar, with aspartic acid, which is acidic and polar, at codon 1208 of the PTCH1 protein (p.Ala1208Asp). This variant is not present in population databases (gnomAD no frequency). This variant has not been reported in the literature in individuals affected with PTCH1-related conditions. ClinVar contains an entry for this variant (Variation ID: 1010122). Invitae Evidence Modeling of protein sequence and biophysical properties (such as structural, functional, and spatial information, amino acid conservation, physicochemical variation, residue mobility, and thermodynamic stability) indicates that this missense variant is not expected to disrupt PTCH1 protein function with a negative predictive value of 95%. In summary, the available evidence is currently insufficient to determine the role of this variant in disease. Therefore, it has been classified as a Variant of Uncertain Significance.

Ambry Genetics
Classification: Uncertain significance for Hereditary cancer-predisposing syndrome. Last evaluated: 2024-11-21. Review status: criteria provided, single submitter. Criteria: Ambry Variant Classification Scheme 2023. Collection method: clinical testing. Allele origin: germline.
Comment: The p.A1208D variant (also known as c.3623C>A), located in coding exon 22 of the PTCH1 gene, results from a C to A substitution at nucleotide position 3623. The alanine at codon 1208 is replaced by aspartic acid, an amino acid with dissimilar properties. This amino acid position is not well conserved in available vertebrate species. In addition, the in silico prediction for this alteration is inconclusive. Based on the available evidence, the clinical significance of this variant remains unclear.

NM_000264.5(PTCH1):c.3623C>A (p.Ala1208Asp)

Gene: PTCH1 (patched 1; minus strand). Cytogenetic location: 9q22.32.
Variant type: single nucleotide variant.
Coding change: c.3623C>A on transcript NM_000264.5 (MANE Select); coding-DNA position 3623, C replaced by A.
Protein change: p.Ala1208Asp; replaces alanine 1208 with aspartic acid.
Molecular consequence: missense variant. On other transcripts: non-coding transcript variant (1).
Genome position (GRCh38, 1-based): chr9:95,449,250, G>T on the plus strand (C>A on the coding strand, the complement: PTCH1 is on the minus strand). VCF-style: chr9-95449250-G-T. GRCh37 (hg19) VCF-style: chr9-98211532-G-T.
Other names: c.3425C>A, p.Ala1142Asp (NM_001083602.3); c.3620C>A, p.Ala1207Asp (NM_001083603.3); c.3170C>A, p.Ala1057Asp (NM_001083604.3, NM_001083605.3, NM_001083606.3 and 1 more transcripts); c.3467C>A, p.Ala1156Asp (NM_001354918.2); short protein forms A1057D, A1142D, A1156D, A1207D, A1208D.
Identifiers: ClinVar variation 1010122 (VCV001010122.11), dbSNP rs914090288, ClinGen allele CA374111276.